The following is an entry in ClinVar:

NM_000142.5(FGFR3):c.1836+4G>A

Gene: FGFR3 (fibroblast growth factor receptor 3; plus strand). Cytogenetic location: 4p16.3.
Variant type: single nucleotide variant.
Coding change: c.1836+4G>A on transcript NM_000142.5 (MANE Select); 4 bases into the intron after coding-DNA position 1836, G replaced by A.
Molecular consequence: intron variant.
Genome position (GRCh38, 1-based): chr4:1,805,944, G>A. VCF-style: chr4-1805944-G-A. GRCh37 (hg19) VCF-style: chr4-1807671-G-A.
Other names: c.1842+4G>A (NM_001163213.2); c.1839+4G>A (NM_001354809.2, NM_001354810.2); c.1500+4G>A (NM_022965.4).
Identifiers: ClinVar variation 2907758 (VCV002907758.4), dbSNP rs1721855522, ClinGen allele CA438063050.

ClinVar aggregate classification (germline): Conflicting classifications of pathogenicity. Review status: criteria provided, conflicting classifications (1 of 4 stars). 2 submissions from 2 submitters: Uncertain significance (1); Likely benign (1). Last evaluated 2023-07-14.

Allele frequency attached by ClinVar (database versions not stated): gnomAD exomes below 0.00001.
gnomAD v4.1: 3 of 1,607,310 alleles (0.00019%); highest among the groups gnomAD compares: African/African-American, 0.0013%; no homozygotes.

Submissions (2):

Labcorp Genetics (formerly Invitae), Labcorp
Classification: Uncertain significance. Last evaluated: 2023-07-14. Review status: criteria provided, single submitter. Criteria: Invitae Variant Classification Sherloc (09022015). Collection method: clinical testing. Allele origin: germline.
Comment: This variant has not been reported in the literature in individuals affected with FGFR3-related conditions. In summary, the available evidence is currently insufficient to determine the role of this variant in disease. Therefore, it has been classified as a Variant of Uncertain Significance. Variants that disrupt the consensus splice site are a relatively common cause of aberrant splicing (PMID: 17576681, 9536098). Algorithms developed to predict the effect of sequence changes on RNA splicing suggest that this variant may disrupt the consensus splice site. This variant is not present in population databases (gnomAD no frequency). This sequence change falls in intron 13 of the FGFR3 gene. It does not directly change the encoded amino acid sequence of the FGFR3 protein. It affects a nucleotide within the consensus splice site.

Blueprint Genetics
Classification: Likely benign. Last evaluated: 2020-03-02. Review status: criteria provided, single submitter. Criteria: ACMG Guidelines, 2015. Collection method: clinical testing. Allele origin: germline.

Literature cited by the submitters: PubMed 17576681 (cited by Labcorp Genetics (formerly Invitae), Labcorp); PubMed 9536098 (cited by Labcorp Genetics (formerly Invitae), Labcorp).